The following is an entry in ClinVar:

ClinVar aggregate classification (germline): Conflicting classifications of pathogenicity. Review status: criteria provided, conflicting classifications (1 of 4 stars). 10 submissions from 8 submitters: Pathogenic (7); Uncertain significance (1). 2 of the submissions do not count toward it. Last evaluated 2026-09-25.

Conditions:
Early-infantile DEE. Also called: Ohtahara syndrome; Early infantile epileptic encephalopathy with suppression bursts; Early infantile epileptic encephalopathy. Identifiers: Orphanet 1934, MedGen C0393706, MONDO:0800491.
KCNQ2-Related Disorders. Also called: KCNQ2-related disorder; KCNQ2-related condition. Identifiers: MedGen CN169299.
Developmental and epileptic encephalopathy, 7 (DEE7). Also called: KCNQ2-Related Neonatal-Onset Developmental and Epileptic Encephalopathy (NEO-DEE); Early infantile epileptic encephalopathy 7; KCNQ2-Related Neonatal Epileptic Encephalopathy. Identifiers: Orphanet 439218, MedGen C3150986, MONDO:0013387, OMIM 613720.
Seizures, benign familial neonatal, 1. Also called: KCNQ2-Related Self-Limited Familial Neonatal Epilepsy (SLFNE); Benign Neonatal Epilepsy 1; Seizures, benign neonatal, 1; KCNQ2-Related Benign Familial Neonatal Epilepsy. Identifiers: Orphanet 1949, MedGen C3149074, MONDO:0007365, OMIM 121200.
Seizure. Also called: Seizures. Identifiers: MedGen C0036572, HP:0001250.

Allele frequency attached by ClinVar (database versions not stated): TOPMed below 0.00001; gnomAD 0.00001; gnomAD exomes below 0.00001.
gnomAD v4.1: 2 of 1,613,142 alleles (0.00012%); highest among the groups gnomAD compares: Non-Finnish European, 0.00017%; no homozygotes.

Submissions (10):

GeneDx
Classification: Pathogenic. Last evaluated: 2026-09-25. Review status: criteria provided, single submitter. Criteria: GeneDx Variant Classification Process June 2021. Collection method: clinical testing. Allele origin: germline.
Comment: Nonsense variant predicted to result in protein truncation or nonsense mediated decay in a gene for which loss of function is a known mechanism of disease; Not observed at significant frequency in large population cohorts (gnomAD); This variant is associated with the following publications: (PMID: 14534157, 25525159, 25982755, 31199083, 37717460, 36007526, 31440721, 34992632, 38814296, 34153113, 26993267)

Labcorp Genetics (formerly Invitae), Labcorp
Classification: Pathogenic for Early-infantile DEE. Last evaluated: 2026-01-21. Review status: criteria provided, single submitter. Criteria: Invitae Variant Classification Sherloc (09022015). Collection method: clinical testing. Allele origin: germline.
Comment: This sequence change creates a premature translational stop signal (p.Arg581*) in the KCNQ2 gene. It is expected to result in an absent or disrupted protein product. Loss-of-function variants in KCNQ2 are known to be pathogenic (PMID: 14534157, 23692823, 27779742). This variant is not present in population databases (gnomAD no frequency). This premature translational stop signal has been observed in individual(s) with benign familial neonatal seizures (PMID: 14534157, 25982755, 26993267). ClinVar contains an entry for this variant (Variation ID: 21768). For these reasons, this variant has been classified as Pathogenic.

Genesolutions, Medical Genetics Institutes, Ho Chi Minh City, Vietnam
Classification: Uncertain significance for Developmental and epileptic encephalopathy, 7. Last evaluated: 2025-09-24. Review status: criteria provided, single submitter. Criteria: ACMG Guidelines, 2015. Collection method: clinical testing. Allele origin: germline. Affected: yes.

Victorian Clinical Genetics Services, Murdoch Childrens Research Institute
Classification: Pathogenic for Seizures, benign familial neonatal, 1. Last evaluated: 2024-10-08. Review status: criteria provided, single submitter. Criteria: ACMG Guidelines, 2015. Collection method: clinical testing. Allele origin: germline. Inheritance: Autosomal dominant inheritance. Affected: yes.
Comment: Based on the classification scheme VCGS_Germline_v1.3.4, this variant is classified as Pathogenic. Following criteria are met: 0103 - Dominant negative and loss of function are known mechanisms of disease in this gene and are associated with developmental and epileptic encephalopathy 7 (DEE; MIM#613720) and benign neonatal seizures 1 (BFNS1; MIM#121200), respectively (PMID: 20437616). There is currently no phenotypic correlation in terms of variant types or location (PMID: 31418850). (I) 0107 - This gene is associated with autosomal dominant disease. (I) 0112 - The condition associated with this gene has incomplete penetrance; however, this is only reported for individuals with BFNS1 (PMID: 25959266). (I) 0201 - Variant is predicted to cause nonsense-mediated decay (NMD) and loss of protein (premature termination codon is located at least 54 nucleotides upstream of the final exon-exon junction). (SP) 0251 - This variant is heterozygous. (I) 0302 - Variant is present in gnomAD (v3) <0.001 for a dominant condition (1 heterozygote, 0 homozygotes). (SP) 0701 - Other NMD-predicted variants comparable to the one identified in this case have very strong previous evidence for pathogenicity (DECIPHER). (SP) 0801 - This variant has strong previous evidence of pathogenicity in unrelated individuals. This variant has been classified as pathogenic by multiple clinical laboratories in ClinVar and has been observed in families with benign familial neonatal seizures (PMIDs: 25982755, 31199083). (SP) 1208 - Inheritance information for this variant is not currently available in this individual. (I) Legend: (SP) - Supporting pathogenic, (I) - Information, (SB) - Supporting benign

Cytogénomique, Hospices Civils de Lyon
Classification: Pathogenic for Seizures. Last evaluated: 2024-05-14. Review status: criteria provided, single submitter. Criteria: ACMG Guidelines, 2015. Collection method: clinical testing. Allele origin: paternal. Affected: yes. Observed: 1 variant allele, 1 compound heterozygote.

Revvity Omics, Revvity
Classification: Pathogenic. Last evaluated: 2022-01-07. Review status: criteria provided, single submitter. Criteria: ACMG Guidelines, 2015. Collection method: clinical testing. Allele origin: germline.

Rady Children's Institute for Genomic Medicine, Rady Children's Hospital San Diego
Classification: Pathogenic for Seizures, benign familial neonatal, 1. Last evaluated: 2020-07-11. Review status: criteria provided, single submitter. Criteria: ACMG Guidelines, 2015. Collection method: clinical testing. Allele origin: germline. Affected: yes.
Comment: This nonsense variant found in exon 15 of 17 is predicted to result in loss of normal protein function through either protein truncation or nonsense-mediated mRNA decay (NMD). This variant has been previously reported as a heterozygous change in families with benign familial neonatal seizures (PMID: 14534157, 31199083, 26993267, 25982755). It is absent from the gnomAD population database and thus is presumed to be rare. Based on the available evidence, the c.1741C>T (p.Arg581Ter) variant is classified as Pathogenic.

Rady Children's Institute for Genomic Medicine, Rady Children's Hospital San Diego
Classification: Pathogenic for KCNQ2-Related Disorders. Review status: criteria provided, single submitter. Criteria: ACMG Guidelines, 2015. Collection method: clinical testing. Allele origin: germline. Affected: yes.
Comment: This nonsense variant found in exon 15 of 17 is predicted to result in loss of normal protein function through either protein truncation or nonsense-mediated mRNA decay (NMD). This variant has been previously reported as a heterozygous change, predominantly inherited from an affected parent but also as a de novo change, in individuals with neonatal seizures (PMID: 14534157, 31199083, 26993267, 25982755, 19380078, 32863083, 34153113). It is absent from the gnomAD population database and thus is presumed to be rare. Based on the available evidence, the c.1741C>T (p.Arg581Ter) variant is classified as Pathogenic.

Cytogénomique, Hospices Civils de Lyon
Classification: Pathogenic for Seizures, benign familial neonatal, 1. Review status: no assertion criteria provided. Collection method: clinical testing. Allele origin: maternal. Inheritance: Autosomal dominant inheritance. Affected: yes. Not counted in ClinVar's aggregate classification.

GeneReviews
No classification provided. Condition: Seizures, benign familial neonatal, 1. Review status: no classification provided. Collection method: literature only. Allele origin: germline. Affected: yes. Not counted in ClinVar's aggregate classification.
Comment: BFNE (benign familial neonatal epilepsy)

Functional effect: Slight rightward shift in current voltage-dependence; no effect on maximal current amplitude

Literature cited by the submitters: PubMed 14534157 (cited by Labcorp Genetics (formerly Invitae), Labcorp and GeneReviews); PubMed 23692823 (cited by Labcorp Genetics (formerly Invitae), Labcorp); PubMed 27779742 (cited by Labcorp Genetics (formerly Invitae), Labcorp); PubMed 25982755 (cited by 3 submitters); PubMed 26993267 (cited by Labcorp Genetics (formerly Invitae), Labcorp); PubMed 20437616 (cited by Victorian Clinical Genetics Services, Murdoch Childrens Research Institute); PubMed 25959266 (cited by Victorian Clinical Genetics Services, Murdoch Childrens Research Institute); PubMed 31199083 (cited by Victorian Clinical Genetics Services, Murdoch Childrens Research Institute); PubMed 31418850 (cited by Victorian Clinical Genetics Services, Murdoch Childrens Research Institute); NCBI Bookshelf NBK32534 (cited by GeneReviews).

NM_172107.4(KCNQ2):c.1741C>T (p.Arg581Ter)

Gene: KCNQ2 (potassium voltage-gated channel subfamily Q member 2; minus strand). Cytogenetic location: 20q13.33.
Variant type: single nucleotide variant.
Coding change: c.1741C>T on transcript NM_172107.4 (MANE Select); coding-DNA position 1741, C replaced by T.
Protein change: p.Arg581Ter; replaces arginine 581 with a stop codon.
Molecular consequence: nonsense.
Genome position (GRCh38, 1-based): chr20:63,413,472, G>A on the plus strand (C>T on the coding strand, the complement: KCNQ2 is on the minus strand). VCF-style: chr20-63413472-G-A. GRCh37 (hg19) VCF-style: chr20-62044825-G-A.
Other names: p.R581*:CGA>TGA; c.1657C>T, p.Arg553Ter (NM_004518.6); c.1687C>T, p.Arg563Ter (NM_172106.3); c.1648C>T, p.Arg550Ter (NM_172108.5); short protein forms R581*, R550*, R553*, R563*.
Identifiers: ClinVar variation 21768 (VCV000021768.24), dbSNP rs118192236, ClinGen allele CA315486.